The following is an entry in ClinVar:

ClinVar aggregate classification (germline): Uncertain significance (1 of 4 stars; one submission).

Allele frequency attached by ClinVar (database versions not stated): gnomAD exomes below 0.00001; gnomAD 0.00001; TOPMed 0.00003.
gnomAD v4.1: 4 of 1,614,044 alleles (0.00025%); highest among the groups gnomAD compares: East Asian, 0.0022%; no homozygotes.

Submission:

Labcorp Genetics (formerly Invitae), Labcorp
Classification: Uncertain significance. Last evaluated: 2022-03-29. Review status: criteria provided, single submitter. Criteria: Invitae Variant Classification Sherloc (09022015). Collection method: clinical testing. Allele origin: germline.
Comment: This sequence change replaces proline, which is neutral and non-polar, with serine, which is neutral and polar, at codon 573 of the SLC25A12 protein (p.Pro573Ser). This variant is not present in population databases (gnomAD no frequency). This variant has not been reported in the literature in individuals affected with SLC25A12-related conditions. ClinVar contains an entry for this variant (Variation ID: 1017313). Algorithms developed to predict the effect of missense changes on protein structure and function (SIFT, PolyPhen-2, Align-GVGD) all suggest that this variant is likely to be tolerated. In summary, the available evidence is currently insufficient to determine the role of this variant in disease. Therefore, it has been classified as a Variant of Uncertain Significance.

NM_003705.5(SLC25A12):c.1717C>T (p.Pro573Ser)

Gene: SLC25A12 (solute carrier family 25 member 12; minus strand). Cytogenetic location: 2q31.1.
Variant type: single nucleotide variant.
Coding change: c.1717C>T on transcript NM_003705.5 (MANE Select); coding-DNA position 1717, C replaced by T.
Protein change: p.Pro573Ser; replaces proline 573 with serine.
Molecular consequence: missense variant. On other transcripts: non-coding transcript variant (1).
Genome position (GRCh38, 1-based): chr2:171,787,816, G>A on the plus strand (C>T on the coding strand, the complement: SLC25A12 is on the minus strand). VCF-style: chr2-171787816-G-A. GRCh37 (hg19) VCF-style: chr2-172644326-G-A.
Other names: short protein forms P573S.
Identifiers: ClinVar variation 1017313 (VCV001017313.6), dbSNP rs911319543, ClinGen allele CA60654386.